The following is an entry in ClinVar:

ClinVar aggregate classification (germline): Uncertain significance. Review status: criteria provided, multiple submitters, no conflicts (2 of 4 stars). 2 submissions from 2 submitters: Uncertain significance (2). Last evaluated 2024-05-01.

Allele frequency attached by ClinVar (database versions not stated): gnomAD 0.00015 and 0.00024; gnomAD exomes 0.00022 and 0.00031; ExAC 0.00028; ESP Exome Variant Server 0.00046.
gnomAD v4.1: 482 of 1,613,228 alleles (0.03%); highest among the groups gnomAD compares: Non-Finnish European, 0.038%; no homozygotes.

Submissions (2):

CeGaT Center for Human Genetics Tuebingen
Classification: Uncertain significance. Last evaluated: 2024-05-01. Review status: criteria provided, single submitter. Criteria: CeGaT Center For Human Genetics Tuebingen Variant Classification Criteria Version 2. Collection method: clinical testing. Allele origin: germline. Affected: yes. Observed: 1 variant allele.
Comment: LAMA5: PM2, BP4

Labcorp Genetics (formerly Invitae), Labcorp
Classification: Uncertain significance. Last evaluated: 2021-12-08. Review status: criteria provided, single submitter. Criteria: Invitae Variant Classification Sherloc (09022015). Collection method: clinical testing. Allele origin: germline.
Comment: This sequence change replaces threonine, which is neutral and polar, with proline, which is neutral and non-polar, at codon 2791 of the LAMA5 protein (p.Thr2791Pro). This variant is present in population databases (rs150774821, gnomAD 0.04%). This variant has not been reported in the literature in individuals affected with LAMA5-related conditions. Algorithms developed to predict the effect of missense changes on protein structure and function are either unavailable or do not agree on the potential impact of this missense change (SIFT: "Deleterious"; PolyPhen-2: "Benign"; Align-GVGD: "Class C0"). In summary, the available evidence is currently insufficient to determine the role of this variant in disease. Therefore, it has been classified as a Variant of Uncertain Significance.

NM_005560.6(LAMA5):c.8371A>C (p.Thr2791Pro)

Gene: LAMA5 (laminin subunit alpha 5; minus strand). Cytogenetic location: 20q13.33.
Variant type: single nucleotide variant.
Coding change: c.8371A>C on transcript NM_005560.6 (MANE Select); coding-DNA position 8371, A replaced by C.
Protein change: p.Thr2791Pro; replaces threonine 2791 with proline.
Molecular consequence: missense variant.
Genome position (GRCh38, 1-based): chr20:62,314,437, T>G on the plus strand (A>C on the coding strand, the complement: LAMA5 is on the minus strand). VCF-style: chr20-62314437-T-G. GRCh37 (hg19) VCF-style: chr20-60889493-T-G.
Other names: short protein forms T2791P.
Identifiers: ClinVar variation 1379431 (VCV001379431.22), dbSNP rs150774821, ClinGen allele CA9940730.